The following is an entry in ClinVar:

NM_181486.4(TBX5):c.191G>A (p.Trp64Ter)

Gene: TBX5 (T-box transcription factor 5; minus strand). Cytogenetic location: 12q24.21.
Variant type: single nucleotide variant.
Coding change: c.191G>A on transcript NM_181486.4 (MANE Select); coding-DNA position 191, G replaced by A.
Protein change: p.Trp64Ter; replaces tryptophan 64 with a stop codon.
Molecular consequence: nonsense.
Genome position (GRCh38, 1-based): chr12:114,401,877, C>T on the plus strand (G>A on the coding strand, the complement: TBX5 is on the minus strand). VCF-style: chr12-114401877-C-T. GRCh37 (hg19) VCF-style: chr12-114839682-C-T.
Other names: c.191G>A, p.Trp64Ter (NM_000192.3); c.41G>A, p.Trp14Ter (NM_080717.4); short protein forms W14*, W64*.
Identifiers: ClinVar variation 4887833 (VCV004887833.1).
Genomic context (GRCh38, chr12:114,401,877, plus strand): 5'-CCATCTCACCTTCCAGCCTTGGTTATGATCATTTCCGTGCCCACTTCGTGGAATTTTAGC[C>T]ACAGTTCTCTTTCATGGAGAAACACTTTGATTCCCTCCATGCCCTGCAAGAAGGAGAAAA-3'

ClinVar aggregate classification (germline): Pathogenic (1 of 4 stars; one submission).

Submission:

GeneDx
Classification: Pathogenic. Last evaluated: 2026-02-25. Review status: criteria provided, single submitter. Criteria: GeneDx Variant Classification Process June 2021. Collection method: clinical testing. Allele origin: germline.
Comment: Reported in a proband with Holt Oram syndrome in the published literature (PMID: 12624158); Nonsense variant predicted to result in protein truncation or nonsense mediated decay in a gene for which loss of function is a known mechanism of disease; Not observed at significant frequency in large population cohorts (gnomAD); This variant is associated with the following publications: (PMID: 25525159, 12624158)